The following is an entry in ClinVar:

ClinVar aggregate classification (germline): Uncertain significance (1 of 4 stars; one submission).

Conditions:
Familial hypercholesterolemia. Also called: Familial hypercholesterolaemia. Identifiers: MedGen C0020445, MONDO:0005439.

gnomAD v4.1: 1 of 1,613,964 alleles (0.000062%); highest among the groups gnomAD compares: Non-Finnish European, 0.000085%; no homozygotes.

Submission:

Cambridge Genomics Laboratory, East Genomic Laboratory Hub, NHS Genomic Medicine Service
Classification: Uncertain significance for Familial hypercholesterolaemia. Last evaluated: 2025-07-15. Review status: criteria provided, single submitter. Criteria: ACGS Best Practice Guidelines for Variant Classification in Rare Disease 2020. Collection method: clinical testing. Allele origin: germline. Affected: yes.
Comment: PM2,PP4,BP4

NM_000384.3(APOB):c.4594C>A (p.Gln1532Lys)

Gene: APOB (apolipoprotein B; minus strand). Cytogenetic location: 2p24.1.
Variant type: single nucleotide variant.
Coding change: c.4594C>A on transcript NM_000384.3 (MANE Select); coding-DNA position 4594, C replaced by A.
Protein change: p.Gln1532Lys; replaces glutamine 1532 with lysine.
Molecular consequence: missense variant.
Genome position (GRCh38, 1-based): chr2:21,012,274, G>T on the plus strand (C>A on the coding strand, the complement: APOB is on the minus strand). VCF-style: chr2-21012274-G-T. GRCh37 (hg19) VCF-style: chr2-21235146-G-T.
Other names: short protein forms Q1532K.
Identifiers: ClinVar variation 4683179 (VCV004683179.1).
Genomic context (GRCh38, chr2:21,012,274, plus strand): 5'-TTTGCAGATCAGAGGTGGAGGTGAGGGAGAGGGTTCCATCTTCATATCTTCCTGTTATCT[G>T]GTTGGTGCCTTGGAGGTAGGAGGAGTTAAACCTCAGGTTGGACTCTCCATTGAGCCGGCC-3'
Protein context (NP_000375.3, residues 1522-1542): FNSSYLQGTN[Gln1532Lys]ITGRYEDGTL